The following is an entry in ClinVar:

NM_000018.4(ACADVL):c.869G>A (p.Gly290Asp)

Gene: ACADVL (acyl-CoA dehydrogenase very long chain; plus strand). Cytogenetic location: 17p13.1.
Variant type: single nucleotide variant.
Coding change: c.869G>A on transcript NM_000018.4 (MANE Select); coding-DNA position 869, G replaced by A.
Protein change: p.Gly290Asp; replaces glycine 290 with aspartic acid.
Molecular consequence: missense variant.
Genome position (GRCh38, 1-based): chr17:7,222,293, G>A. VCF-style: chr17-7222293-G-A. GRCh37 (hg19) VCF-style: chr17-7125612-G-A.
Other names: c.869G>A (NM_000018.3); c.803G>A, p.Gly268Asp (NM_001033859.3); c.938G>A, p.Gly313Asp (NM_001270447.2); c.641G>A, p.Gly214Asp (NM_001270448.2); short protein forms G214D, G268D, G290D, G313D.
Identifiers: ClinVar variation 2438813 (VCV002438813.8), dbSNP rs866464446, ClinGen allele CA287437112.

ClinVar aggregate classification (germline): Conflicting classifications of pathogenicity. Review status: criteria provided, conflicting classifications (1 of 4 stars). 5 submissions from 5 submitters: Likely pathogenic (2); Uncertain significance (3). Last evaluated 2026-01-16.

Conditions:
Very long chain acyl-CoA dehydrogenase deficiency (ACADVLD). Also called: VLCAD Deficiency; Very Long-Chain Acyl-Coenzyme A Dehydrogenase Deficiency. Identifiers: Orphanet 26793, MedGen C3887523, MONDO:0008723, OMIM 201475.

Allele frequency attached by ClinVar (database versions not stated): TOPMed below 0.00001; gnomAD 0.00001.
gnomAD v4.1: 1 of 1,613,824 alleles (0.000062%); highest among the groups gnomAD compares: African/African-American, 0.0013%; no homozygotes.

Submissions (5):

Natera, Inc.
Classification: Likely pathogenic for Very long chain acyl-CoA dehydrogenase deficiency. Last evaluated: 2026-01-16. Review status: criteria provided, single submitter. Criteria: Natera Variant Classification Schema (03/2026). Collection method: clinical testing. Allele origin: germline.
Comment: The c.869G>A variant in ACADVL is a missense variant predicted to cause substitution of glycine to aspartic acid at amino acid 290. This variant is rare in the general population with a frequency below the threshold expected for the associated phenotype(s). This variant has been observed in one or more individuals affected with the associated recessive disease, as either homozygous or compound heterozygous with a second variant (PMID: 12208138). Computational prediction algorithms indicate this variant is likely to affect gene or protein function. Given the available evidence, this variant is classified as Likely Pathogenic.

Myriad Genetics, Inc.
Classification: Uncertain significance for Very long chain acyl-CoA dehydrogenase deficiency. Last evaluated: 2025-11-24. Review status: criteria provided, single submitter. Criteria: Myriad Autosomal Dominant, Autosomal Recessive and X-Linked Classification Criteria (2023). Collection method: clinical testing. Allele origin: unknown.
Comment: NM_000018.3(ACADVL):c.869G>A(G290D) is a missense variant classified as a variant of uncertain significance in the context of very-long-chain acyl-CoA dehydrogenase deficiency. G290D has been observed in a case with relevant disease (PMID: 12208138). Relevant functional assessments of this variant are not available in the literature. G290D has not been observed in referenced population frequency databases. In summary, there is insufficient evidence to classify NM_000018.3(ACADVL):c.869G>A(G290D) as pathogenic or benign. Please note: this variant was assessed in the context of healthy population screening.

Labcorp Genetics (formerly Invitae), Labcorp
Classification: Uncertain significance for Very long chain acyl-CoA dehydrogenase deficiency. Last evaluated: 2024-12-08. Review status: criteria provided, single submitter. Criteria: Invitae Variant Classification Sherloc (09022015). Collection method: clinical testing. Allele origin: germline.
Comment: This sequence change replaces glycine, which is neutral and non-polar, with aspartic acid, which is acidic and polar, at codon 290 of the ACADVL protein (p.Gly290Asp). This variant is not present in population databases (gnomAD no frequency). This missense change has been observed in individual(s) with clinical features of ACADVL-related conditions (PMID: 8739957). ClinVar contains an entry for this variant (Variation ID: 2438813). Invitae Evidence Modeling of protein sequence and biophysical properties (such as structural, functional, and spatial information, amino acid conservation, physicochemical variation, residue mobility, and thermodynamic stability) indicates that this missense variant is expected to disrupt ACADVL protein function with a positive predictive value of 80%. In summary, the available evidence is currently insufficient to determine the role of this variant in disease. Therefore, it has been classified as a Variant of Uncertain Significance.

Baylor Genetics
Classification: Likely pathogenic for Very long chain acyl-CoA dehydrogenase deficiency. Last evaluated: 2023-06-14. Review status: criteria provided, single submitter. Criteria: ACMG Guidelines, 2015. Collection method: clinical testing. Allele origin: unknown.

Revvity Omics, Revvity
Classification: Uncertain significance for Very long chain acyl-CoA dehydrogenase deficiency. Last evaluated: 2022-01-10. Review status: criteria provided, single submitter. Criteria: ACMG Guidelines, 2015. Collection method: clinical testing. Allele origin: germline.

Literature cited by the submitters: PubMed 12208138 (cited by Natera, Inc. and Myriad Genetics, Inc.); PubMed 8739957 (cited by Labcorp Genetics (formerly Invitae), Labcorp).